The following is an entry in ClinVar:

NM_002691.4(POLD1):c.1041G>A (p.Pro347=)

Gene: POLD1 (DNA polymerase delta 1, catalytic subunit; plus strand). Cytogenetic location: 19q13.33.
Variant type: single nucleotide variant.
Coding change: c.1041G>A on transcript NM_002691.4 (MANE Select); coding-DNA position 1041, G replaced by A.
Protein change: p.Pro347=; no amino-acid change (proline 347 retained).
Molecular consequence: synonymous variant. On other transcripts: non-coding transcript variant (1).
Genome position (GRCh38, 1-based): chr19:50,403,123, G>A. VCF-style: chr19-50403123-G-A. GRCh37 (hg19) VCF-style: chr19-50906380-G-A.
Other names: c.1041G>A, p.Pro347= (NM_001256849.1, NM_001308632.1).
Identifiers: ClinVar variation 391124 (VCV000391124.24), dbSNP rs41553718, ClinGen allele CA9596010.

ClinVar aggregate classification (germline): Benign/Likely benign. Review status: criteria provided, multiple submitters, no conflicts (2 of 4 stars). 9 submissions from 9 submitters: Benign (3); Likely benign (6). Last evaluated 2026-01-13.

Conditions:
Hereditary cancer-predisposing syndrome. Also called: Neoplastic Syndromes, Hereditary; Hereditary neoplastic syndrome; Hereditary Cancer Syndrome; Tumor predisposition. Identifiers: Orphanet 140162, MedGen C0027672, MeSH D009386, MONDO:0015356.
Polymerase proofreading-related adenomatous polyposis. Also called: Polymerase proofreading associated polyposis; Polymerase proofreading–associated polyposis (PPAP). Identifiers: Orphanet 447877, MedGen C5202613, MONDO:0018653.
POLD1-related polyposis and colorectal cancer syndrome (CRCS10). Also called: Colorectal cancer, susceptibility to, 10; Colorectal cancer 10; COLORECTAL CANCER, SUSCEPTIBILITY TO, ON CHROMOSOME 19q. Identifiers: Orphanet 220460, MedGen C2675481, MONDO:0012953, OMIM 612591.

Allele frequency attached by ClinVar (database versions not stated): gnomAD 0.00002 and 0.00003; TOPMed 0.00003; gnomAD exomes 0.00004 and 0.00008; ExAC 0.00018.
gnomAD v4.1: 112 of 1,563,302 alleles (0.0072%); highest among the groups gnomAD compares: Middle Eastern, 0.12%; no homozygotes.

Submissions (9):

Labcorp Genetics (formerly Invitae), Labcorp
Classification: Likely benign for POLD1-related polyposis and colorectal cancer syndrome. Last evaluated: 2026-01-13. Review status: criteria provided, single submitter. Criteria: Invitae Variant Classification Sherloc (09022015). Collection method: clinical testing. Allele origin: germline.

Center for Genomic Medicine, Rigshospitalet, Copenhagen University Hospital
Classification: Likely benign. Last evaluated: 2025-03-04. Review status: criteria provided, single submitter. Criteria: ACMG Guidelines, 2015. Collection method: clinical testing. Allele origin: germline.

Myriad Genetics, Inc.
Classification: Benign for POLD1-related polyposis and colorectal cancer syndrome. Last evaluated: 2025-02-05. Review status: criteria provided, single submitter. Criteria: Myriad Autosomal Dominant, Autosomal Recessive and X-Linked Classification Criteria (2023). Collection method: clinical testing. Allele origin: unknown.
Comment: This variant is considered benign. This variant is a silent/synonymous amino acid change and it is not expected to impact splicing.

KCCC/NGS Laboratory, Kuwait Cancer Control Center
Classification: Benign for POLD1-related polyposis and colorectal cancer syndrome. Last evaluated: 2025-02-01. Review status: criteria provided, single submitter. Criteria: ACMG Guidelines, 2015. Collection method: clinical testing. Allele origin: germline. Affected: no.

Blueprint Genetics
Classification: Likely benign. Last evaluated: 2024-03-20. Review status: criteria provided, single submitter. Criteria: ACMG Guidelines, 2015. Collection method: clinical testing. Allele origin: germline.

Department of Pathology and Laboratory Medicine, Sinai Health System
Classification: Likely benign for Polymerase proofreading-related adenomatous polyposis. Last evaluated: 2023-01-20. Review status: criteria provided, single submitter. Criteria: ACMG Guidelines, 2015. Collection method: clinical testing. Allele origin: germline. Affected: yes.

Quest Diagnostics Nichols Institute San Juan Capistrano
Classification: Benign. Last evaluated: 2023-01-05. Review status: criteria provided, single submitter. Criteria: Quest Diagnostics criteria. Collection method: clinical testing. Allele origin: unknown.

GeneDx
Classification: Likely benign. Last evaluated: 2021-01-28. Review status: criteria provided, single submitter. Criteria: GeneDx Variant Classification Process June 2021. Collection method: clinical testing. Allele origin: germline. Affected: yes.

Ambry Genetics
Classification: Likely benign for Hereditary cancer-predisposing syndrome. Last evaluated: 2015-07-07. Review status: criteria provided, single submitter. Criteria: Ambry Variant Classification Scheme 2023. Collection method: clinical testing. Allele origin: germline.